The following is an entry in ClinVar:

ClinVar aggregate classification (germline): Likely pathogenic. Review status: criteria provided, multiple submitters, no conflicts (2 of 4 stars). 2 submissions from 2 submitters: Likely pathogenic (2). Last evaluated 2024-06-04.

Conditions:
Joubert syndrome 9 (JBTS9). Identifiers: Orphanet 2318, MedGen C2676788, MONDO:0012849, OMIM 612285.
COACH syndrome 2. Identifiers: MedGen C5436837, MONDO:0030859, OMIM 619111.
Meckel syndrome, type 6. Identifiers: Orphanet 564, MedGen C2676790, MONDO:0012848, OMIM 612284.
Retinitis pigmentosa 93. Identifiers: MedGen C5676970, MONDO:0030797, OMIM 619845.

Submissions (2):

Fulgent Genetics
Classification: Likely pathogenic for Meckel syndrome, type 6; Joubert syndrome 9; COACH syndrome 2; Retinitis pigmentosa 93. Last evaluated: 2024-06-04. Review status: criteria provided, single submitter. Criteria: ACMG Guidelines, 2015. Collection method: clinical testing. Allele origin: germline.

GeneDx
Classification: Likely pathogenic. Last evaluated: 2023-06-09. Review status: criteria provided, single submitter. Criteria: GeneDx Variant Classification Process June 2021. Collection method: clinical testing. Allele origin: germline. Affected: yes.
Comment: Frameshift variant predicted to result in protein truncation or nonsense mediated decay in a gene for which loss of function is a known mechanism of disease; Not observed at significant frequency in large population cohorts (gnomAD); Has not been previously published as pathogenic or benign in association with a CC2D2A-related disorder to our knowledge; This variant is associated with the following publications: (PMID: 31964843)

NM_001378615.1(CC2D2A):c.3679_3682del (p.Asp1227fs)

Genes: CC2D2A (coiled-coil and C2 domain containing 2A; plus strand), FBXL5 (F-box and leucine rich repeat protein 5; minus strand). Cytogenetic location: 4p15.32.
Variant type: Deletion.
Coding change: c.3679_3682del on transcript NM_001378615.1 (MANE Select); coding-DNA positions 3679 to 3682, 4 bases deleted (GATT; older notation c.3679_3682delGATT).
Protein change: p.Asp1227fs; shifts the reading frame from aspartic acid 1227.
Molecular consequence: frameshift variant.
Genome position (GRCh38, 1-based): chr4:15,574,234-15,574,237, GATT deleted; deleting any 4 consecutive bases within chr4:15,574,232-15,574,237 gives the same sequence; the c. name uses the placement nearest the transcript's 3' end. VCF-style (leftmost placement, unchanged base first): chr4-15574231-TTTGA-T. GRCh37 (hg19) VCF-style: chr4-15575854-TTTGA-T.
Other names: c.3679_3682del, p.Asp1227fs (NM_001080522.2); c.3532_3535del, p.Asp1178fs (NM_001378617.1); short protein forms D1178fs, D1227fs.
Identifiers: ClinVar variation 2504911 (VCV002504911.2), dbSNP rs1213164662, ClinGen allele CA550187378.
Genomic context (GRCh38, chr4:15,574,231, plus strand): 5'-GATATTCCCCCAGTTCTTCTGGGCTACAGTAAGGAGCGAAATATGATTCTTGAGCGGGGT[TTTGA>T]TTCTGTCCGAAGCTTAAGTGAAGGCTCCTACATTACCCTCTTTATTACCATTGAGCCCCA-3'